The following is an entry in ClinVar:

NM_001429.4(EP300):c.5405C>T (p.Pro1802Leu)

Gene: EP300 (EP300 lysine acetyltransferase; plus strand). Cytogenetic location: 22q13.2.
Variant type: single nucleotide variant.
Coding change: c.5405C>T on transcript NM_001429.4 (MANE Select); coding-DNA position 5405, C replaced by T.
Protein change: p.Pro1802Leu; replaces proline 1802 with leucine.
Molecular consequence: missense variant.
Genome position (GRCh38, 1-based): chr22:41,177,116, C>T. VCF-style: chr22-41177116-C-T. GRCh37 (hg19) VCF-style: chr22-41573120-C-T.
Other names: c.5327C>T, p.Pro1776Leu (NM_001362843.2); c.5405C>T (NM_001429.3); short protein forms P1776L, P1802L.
Identifiers: ClinVar variation 4748976 (VCV004748976.2).

ClinVar aggregate classification (germline): Uncertain significance. Review status: criteria provided, multiple submitters, no conflicts (2 of 4 stars). 2 submissions from 2 submitters: Uncertain significance (2). Last evaluated 2026-04-22.

Conditions:
Rubinstein-Taybi syndrome due to EP300 haploinsufficiency. Also called: RUBINSTEIN-TAYBI SYNDROME 2; EP300-Related Rubinstein-Taybi Syndrome. Identifiers: Orphanet 353284, Orphanet 783, MedGen C3150941, MONDO:0013364, OMIM 613684.
EP300-related disorder. Also called: EP300-related disorders; EP300-related condition.

gnomAD v4.1: 4 of 1,614,110 alleles (0.00025%); highest among the groups gnomAD compares: East Asian, 0.0022%; no homozygotes.

Submissions (2):

PreventionGenetics, part of Exact Sciences
Classification: Uncertain significance for EP300-related condition. Last evaluated: 2026-04-22. Review status: criteria provided, single submitter. Criteria: ACMG Guidelines, 2015. Collection method: clinical testing. Allele origin: germline.
Comment: The EP300 c.5405C>T variant is predicted to result in the amino acid substitution p.Pro1802Leu. To our knowledge, this variant has not been reported in the literature. This variant is reported in 0.0054% of alleles in individuals of East Asian descent in gnomAD. At this time, the clinical significance of this variant is uncertain due to the absence of conclusive functional and genetic evidence.

Labcorp Genetics (formerly Invitae), Labcorp
Classification: Uncertain significance for Rubinstein-Taybi syndrome due to EP300 haploinsufficiency. Last evaluated: 2025-10-06. Review status: criteria provided, single submitter. Criteria: Invitae Variant Classification Sherloc (09022015). Collection method: clinical testing. Allele origin: germline.
Comment: This sequence change replaces proline, which is neutral and non-polar, with leucine, which is neutral and non-polar, at codon 1802 of the EP300 protein (p.Pro1802Leu). The frequency data for this variant in the population databases is considered unreliable, as metrics indicate poor data quality at this position in the gnomAD database. This variant has not been reported in the literature in individuals affected with EP300-related conditions. Invitae Evidence Modeling of protein sequence and biophysical properties (such as structural, functional, and spatial information, amino acid conservation, physicochemical variation, residue mobility, and thermodynamic stability) indicates that this missense variant is not expected to disrupt EP300 protein function with a negative predictive value of 80%. In summary, the available evidence is currently insufficient to determine the role of this variant in disease. Therefore, it has been classified as a Variant of Uncertain Significance.